The following is an entry in ClinVar:

ClinVar aggregate classification (germline): Conflicting classifications of pathogenicity. Review status: criteria provided, conflicting classifications (1 of 4 stars). 3 submissions from 3 submitters: Uncertain significance (2); Benign (1). Last evaluated 2025-12-30.

Conditions:
Joubert syndrome 23 (JBTS23). Identifiers: Orphanet 475, MedGen C4084822, MONDO:0014664, OMIM 616490.
Short-rib thoracic dysplasia 14 with polydactyly (SRTD14). Identifiers: Orphanet 397715, MedGen C4225286, MONDO:0014688, OMIM 616546.

Allele frequency attached by ClinVar (database versions not stated): ESP Exome Variant Server 0.00008; TOPMed 0.00011.
gnomAD v4.1: 173 of 1,522,308 alleles (0.011%); highest among the groups gnomAD compares: Non-Finnish European, 0.0073%; no homozygotes.

Submissions (3):

GeneDx
Classification: Uncertain significance. Last evaluated: 2025-12-30. Review status: criteria provided, single submitter. Criteria: GeneDx Variant Classification Process June 2021. Collection method: clinical testing. Allele origin: germline.
Comment: In silico analysis suggests that this missense variant does not alter protein structure/function; Has not been previously published as pathogenic or benign to our knowledge

Blueprint Genetics
Classification: Benign. Last evaluated: 2024-11-13. Review status: criteria provided, single submitter. Criteria: ACMG Guidelines, 2015. Collection method: clinical testing. Allele origin: germline.

Labcorp Genetics (formerly Invitae), Labcorp
Classification: Uncertain significance for Joubert syndrome 23; Short-rib thoracic dysplasia 14 with polydactyly. Last evaluated: 2023-12-11. Review status: criteria provided, single submitter. Criteria: Invitae Variant Classification Sherloc (09022015). Collection method: clinical testing. Allele origin: germline.
Comment: This sequence change replaces valine, which is neutral and non-polar, with isoleucine, which is neutral and non-polar, at codon 1337 of the KIAA0586 protein (p.Val1337Ile). The frequency data for this variant in the population databases is considered unreliable, as metrics indicate poor data quality at this position in the gnomAD database. This variant has not been reported in the literature in individuals affected with KIAA0586-related conditions. ClinVar contains an entry for this variant (Variation ID: 2037392). Advanced modeling of protein sequence and biophysical properties (such as structural, functional, and spatial information, amino acid conservation, physicochemical variation, residue mobility, and thermodynamic stability) performed at Invitae indicates that this missense variant is not expected to disrupt KIAA0586 protein function with a negative predictive value of 80%. In summary, the available evidence is currently insufficient to determine the role of this variant in disease. Therefore, it has been classified as a Variant of Uncertain Significance.

NM_001329943.3(KIAA0586):c.3850G>A (p.Val1284Ile)

Gene: KIAA0586 (KIAA0586; plus strand). Cytogenetic location: 14q23.1.
Variant type: single nucleotide variant.
Coding change: c.3850G>A on transcript NM_001329943.3 (MANE Select); coding-DNA position 3850, G replaced by A.
Protein change: p.Val1284Ile; replaces valine 1284 with isoleucine.
Molecular consequence: missense variant.
Genome position (GRCh38, 1-based): chr14:58,490,232, G>A. VCF-style: chr14-58490232-G-A. GRCh37 (hg19) VCF-style: chr14-58956950-G-A.
Other names: c.4009G>A, p.Val1337Ile (NM_001244189.2); c.3805G>A, p.Val1269Ile (NM_001244190.2); c.3595G>A, p.Val1199Ile (NM_001244191.2, NM_001329945.2, NM_001364700.1 and 1 more transcripts); c.3718G>A, p.Val1240Ile (NM_001244192.2); c.3430G>A, p.Val1144Ile (NM_001244193.2); c.3850G>A, p.Val1284Ile (NM_001329944.2, NM_001329946.2, NM_001329947.2); c.3622G>A, p.Val1208Ile (NM_014749.5); c.4009G>A (NM_001244189.1); short protein forms V1144I, V1240I, V1284I, V1199I, V1337I, V1269I, V1208I.
Identifiers: ClinVar variation 2037392 (VCV002037392.4), dbSNP rs374292446, ClinGen allele CA7206274.